The following is an entry in ClinVar:

NM_006642.5(SDCCAG8):c.1064C>A (p.Thr355Asn)

Gene: SDCCAG8 (SHH signaling and ciliogenesis regulator SDCCAG8; plus strand). Cytogenetic location: 1q43.
Variant type: single nucleotide variant.
Coding change: c.1064C>A on transcript NM_006642.5 (MANE Select); coding-DNA position 1064, C replaced by A.
Protein change: p.Thr355Asn; replaces threonine 355 with asparagine.
Molecular consequence: missense variant.
Genome position (GRCh38, 1-based): chr1:243,316,889, C>A. VCF-style: chr1-243316889-C-A. GRCh37 (hg19) VCF-style: chr1-243480191-C-A.
Other names: c.161C>A, p.Thr54Asn (NM_001350246.2, NM_001350247.2, NM_001350251.2); c.1160C>A, p.Thr387Asn (NM_001350248.2); c.770C>A, p.Thr257Asn (NM_001350249.2); short protein forms T355N, T54N, T257N, T387N.
Identifiers: ClinVar variation 429612 (VCV000429612.8), dbSNP rs199524638, ClinGen allele CA1483521.

ClinVar aggregate classification (germline): Uncertain significance. Review status: criteria provided, multiple submitters, no conflicts (2 of 4 stars). 4 submissions from 4 submitters: Uncertain significance (4). Last evaluated 2025-10-23.

Conditions:
SDCCAG8-related disorder. Also called: SDCCAG8-related condition; SDCCAG8-Related Disorders.
Inborn genetic diseases. Identifiers: MedGen C0950123, MeSH D030342.
Bardet-Biedl syndrome 16 (BBS16). Identifiers: Orphanet 110, MedGen C3889474, MONDO:0014444, OMIM 615993.
Senior-Loken syndrome 7 (SLSN7). Identifiers: Orphanet 3156, MedGen C3150877, MONDO:0013326, OMIM 613615.

Allele frequency attached by ClinVar (database versions not stated): gnomAD 0.00001; TOPMed 0.00001; ExAC 0.00002; gnomAD exomes 0.00002; 1000 Genomes Project 0.00020; 1000 Genomes Project 30x 0.00031.
gnomAD v4.1: 6 of 1,613,940 alleles (0.00037%); highest among the groups gnomAD compares: Admixed American, 0.0083%; no homozygotes.

Submissions (4):

PreventionGenetics, part of Exact Sciences
Classification: Uncertain significance for SDCCAG8-related condition. Last evaluated: 2025-10-23. Review status: criteria provided, single submitter. Criteria: ACMG Guidelines, 2015. Collection method: clinical testing. Allele origin: germline.
Comment: The SDCCAG8 c.1064C>A variant is predicted to result in the amino acid substitution p.Thr355Asn. To our knowledge, this variant has not been reported in the literature. This variant is reported in 0.012% of alleles in individuals of Latino descent in gnomAD. At this time, the clinical significance of this variant is uncertain due to the absence of conclusive functional and genetic evidence.

Ambry Genetics
Classification: Uncertain significance for Inborn genetic diseases. Last evaluated: 2025-09-25. Review status: criteria provided, single submitter. Criteria: Ambry Variant Classification Scheme 2023. Collection method: clinical testing. Allele origin: germline.

Labcorp Genetics (formerly Invitae), Labcorp
Classification: Uncertain significance for Bardet-Biedl syndrome 16; Senior-Loken syndrome 7. Last evaluated: 2022-01-01. Review status: criteria provided, single submitter. Criteria: Invitae Variant Classification Sherloc (09022015). Collection method: clinical testing. Allele origin: germline.
Comment: This sequence change replaces threonine, which is neutral and polar, with asparagine, which is neutral and polar, at codon 355 of the SDCCAG8 protein (p.Thr355Asn). This variant is present in population databases (rs199524638, gnomAD 0.009%). This variant has not been reported in the literature in individuals affected with SDCCAG8-related conditions. ClinVar contains an entry for this variant (Variation ID: 429612). Algorithms developed to predict the effect of missense changes on protein structure and function are either unavailable or do not agree on the potential impact of this missense change (SIFT: "Deleterious"; PolyPhen-2: "Probably Damaging"; Align-GVGD: "Class C0"). In summary, the available evidence is currently insufficient to determine the role of this variant in disease. Therefore, it has been classified as a Variant of Uncertain Significance.

GeneDx
Classification: Uncertain significance. Last evaluated: 2017-05-08. Review status: criteria provided, single submitter. Criteria: GeneDx Variant Classification (06012015). Collection method: clinical testing. Allele origin: germline. Affected: yes.
Comment: The c.1064 C>A variant in the SDCCAG8 gene has not been reported previously as a pathogenic variant, nor as a benign variant, to our knowledge. The c.1064 C>A variant is not observed at a significant frequency in large population cohorts (Lek et al., 2016; 1000 Genomes Consortium et al., 2015; Exome Variant Server). One in-silico splice prediction model predicts that c.1064 C>A destroys the splice donor site for exon 9, which is expected to cause abnormal gene splicing. However, in the absence of RNA/functional studies, the actual effect of the c.1064 C>A change in this individual is unknown. If c.1064 C>A does not alter splicing, it will result in the T355N missense change. The T355N variant is a conservative amino acid substitution, which is not likely to impact secondary protein structure as these residues share similar properties. However, this substitution occurs at a position that is conserved across species, and in silico analysis predicts this variant is probably damaging to the protein structure/function. We interpret c.1064 C>A as a variant of uncertain significance.